The following is an entry in ClinVar:

ClinVar aggregate classification (germline): Uncertain significance (1 of 4 stars; one submission).

Conditions:
Cardiac valvular dysplasia, X-linked (CVDPX). Also called: MYXOMATOUS VALVULAR DYSTROPHY, X-LINKED; VALVULAR HEART DISEASE, CONGENITAL; FLNA-Related X-linked Cardiac Valvular Dysplasia; Congenital valvular dysplasia; Isolated X-Linked Cardiac Valvular Dysplasia. Identifiers: Orphanet 1864, Orphanet 555877, Orphanet 75497, MedGen C0262436, MONDO:0010753, OMIM 314400.

Submission:

Institute of Human Genetics, University of Goettingen
Classification: Uncertain significance for Cardiac valvular dysplasia, X-linked. Last evaluated: 2026-07-29. Review status: criteria provided, single submitter. Criteria: ACMG Guidelines, 2015. Collection method: clinical testing. Allele origin: maternal. Affected: yes. Observed: 2 variant alleles, 2 hemizygotes.
Comment: The NM_001110556.2(FLNA):c.5141C>A (p.Ala1714Asp) variant causes a missense change involving the alteration of a conserved nucleotide. The variant is absent from the gnomAD population database at sites with sufficient sequencing coverage. In-silico predictor (REVEL) classifies this variant as likely damaging/oncogenic. Splicing prediction tools (SpliceAI) predict no significant impact on normal splicing. The affected nucleotide is highly conserved across species (PhyloP 100-way vertebrate score: 9.89). No clinical diagnostic laboratories have submitted clinical-significance assessments for this variant to ClinVar. Other variants at the same amino acid position have been reported in ClinVar (not pathogenic): p.A1714T: Uncertain_significance (Accession: VCV000264252.5). ACMG criteria used for classification: PM2_sup, PP3_mod

NM_001110556.2(FLNA):c.5141C>A (p.Ala1714Asp)

Gene: FLNA (filamin A; minus strand). Cytogenetic location: Xq28.
Variant type: single nucleotide variant.
Coding change: c.5141C>A on transcript NM_001110556.2 (MANE Select); coding-DNA position 5141, C replaced by A.
Protein change: p.Ala1714Asp; replaces alanine 1714 with aspartic acid.
Molecular consequence: missense variant.
Genome position (GRCh38, 1-based): chrX:154,354,901, G>T on the plus strand (C>A on the coding strand, the complement: FLNA is on the minus strand). VCF-style: chrX-154354901-G-T. GRCh37 (hg19) VCF-style: chrX-153583269-G-T.
Other names: c.5117C>A, p.Ala1706Asp (NM_001456.4); short protein forms A1706D, A1714D.
Identifiers: ClinVar variation 4887982 (VCV004887982.1).